The following is an entry in ClinVar:

NM_153717.3(EVC):c.124C>A (p.Leu42Ile)

Gene: EVC (EvC ciliary complex subunit 1; plus strand). Cytogenetic location: 4p16.2.
Variant type: single nucleotide variant.
Coding change: c.124C>A on transcript NM_153717.3 (MANE Select); coding-DNA position 124, C replaced by A.
Protein change: p.Leu42Ile; replaces leucine 42 with isoleucine.
Molecular consequence: missense variant.
Genome position (GRCh38, 1-based): chr4:5,711,504, C>A. VCF-style: chr4-5711504-C-A. GRCh37 (hg19) VCF-style: chr4-5713231-C-A.
Other names: c.124C>A, p.Leu42Ile (NM_001306090.2, NM_001306092.2); c.124C>A (NM_153717.2); short protein forms L42I.
Identifiers: ClinVar variation 3896690 (VCV003896690.3).

ClinVar aggregate classification (germline): Uncertain significance. Review status: criteria provided, multiple submitters, no conflicts (2 of 4 stars). 2 submissions from 2 submitters: Uncertain significance (2). Last evaluated 2025-06-08.

Conditions:
Inborn genetic diseases. Identifiers: MedGen C0950123, MeSH D030342.

gnomAD v4.1: 62 of 1,158,652 alleles (0.0054%); highest among the groups gnomAD compares: Non-Finnish European, 0.0063%; no homozygotes.

Submissions (2):

Ambry Genetics
Classification: Uncertain significance for Inborn genetic diseases. Last evaluated: 2025-06-08. Review status: criteria provided, single submitter. Criteria: Ambry Variant Classification Scheme 2023. Collection method: clinical testing. Allele origin: germline.

Women's Health and Genetics/Laboratory Corporation of America, LabCorp
Classification: Uncertain significance. Last evaluated: 2025-04-22. Review status: criteria provided, single submitter. Criteria: LabCorp Variant Classification Summary - May 2015. Collection method: clinical testing. Allele origin: germline.
Comment: Variant summary: EVC c.124C>A (p.Leu42Ile) results in a conservative amino acid change in the encoded protein sequence. Five of five in-silico tools predict a benign effect of the variant on protein function. The frequency data for this variant in gnomAD is considered unreliable, as metrics indicate poor data quality at this position. To our knowledge, no occurrence of c.124C>A in individuals affected with Ellis-van Creveld syndrome and no experimental evidence demonstrating its impact on protein function have been reported. No submitters have cited clinical-significance assessments for this variant to ClinVar. Based on the evidence outlined above, the variant was classified as uncertain significance.